The following is an entry in ClinVar:

NM_001024845.3(SLC6A9):c.1424T>C (p.Met475Thr)

Gene: SLC6A9 (solute carrier family 6 member 9; minus strand). Cytogenetic location: 1p34.1.
Variant type: single nucleotide variant.
Coding change: c.1424T>C on transcript NM_001024845.3 (MANE Select); coding-DNA position 1424, T replaced by C.
Protein change: p.Met475Thr; replaces methionine 475 with threonine.
Molecular consequence: missense variant. On other transcripts: non-coding transcript variant (1).
Genome position (GRCh38, 1-based): chr1:44,000,967, A>G on the plus strand (T>C on the coding strand, the complement: SLC6A9 is on the minus strand). VCF-style: chr1-44000967-A-G. GRCh37 (hg19) VCF-style: chr1-44466639-A-G.
Other names: c.1436T>C, p.Met479Thr (NM_001261380.2); c.1091T>C, p.Met364Thr (NM_001328626.2, NM_001328630.2); c.1361T>C, p.Met454Thr (NM_001328627.1); c.1229T>C, p.Met410Thr (NM_001328628.1); c.1424T>C, p.Met475Thr (NM_001328629.1); c.1481T>C, p.Met494Thr (NM_006934.4); c.1643T>C, p.Met548Thr (NM_201649.4); short protein forms M364T, M548T, M454T, M479T, M410T, M475T, M494T.
Identifiers: ClinVar variation 1353549 (VCV001353549.5), dbSNP rs141601886, ClinGen allele CA817516.
Genomic context (GRCh38, chr1:44,000,967, plus strand): 5'-GGGCGGGCCAAGGGCCGGGTCGCGGGAGGCCGGAGGCTCGAGTGCTCACCGTAGATGTAC[A>G]TGATGGCCACACACATGATGCAGGAGATGACCACCAAGGAGAAGCTGGCCGCATAGTTGT-3'
Protein context (NP_001020016.1, residues 465-485): VISCIMCVAI[Met475Thr]YIYGHRNYFQ

ClinVar aggregate classification (germline): Uncertain significance (1 of 4 stars; one submission).

Conditions:
Atypical glycine encephalopathy. Also called: Glycine encephalopathy with normal serum glycine. Identifiers: Orphanet 289863, MedGen C4310943, MONDO:0015010, OMIM 617301.

Allele frequency attached by ClinVar (database versions not stated): ExAC 0.00003; gnomAD exomes 0.00004; TOPMed 0.00005; gnomAD 0.00006; ESP Exome Variant Server 0.00015; 1000 Genomes Project 30x 0.00016; 1000 Genomes Project 0.00020.
gnomAD v4.1: 35 of 1,599,790 alleles (0.0022%); highest among the groups gnomAD compares: African/African-American, 0.013%; no homozygotes.

Submission:

Labcorp Genetics (formerly Invitae), Labcorp
Classification: Uncertain significance for Atypical glycine encephalopathy. Last evaluated: 2022-08-23. Review status: criteria provided, single submitter. Criteria: Invitae Variant Classification Sherloc (09022015). Collection method: clinical testing. Allele origin: germline.
Comment: This sequence change replaces methionine, which is neutral and non-polar, with threonine, which is neutral and polar, at codon 548 of the SLC6A9 protein (p.Met548Thr). This variant is present in population databases (rs141601886, gnomAD 0.02%). This variant has not been reported in the literature in individuals affected with SLC6A9-related conditions. ClinVar contains an entry for this variant (Variation ID: 1353549). Algorithms developed to predict the effect of missense changes on protein structure and function are either unavailable or do not agree on the potential impact of this missense change (SIFT: "Tolerated"; PolyPhen-2: "Probably Damaging"; Align-GVGD: "Class C0"). In summary, the available evidence is currently insufficient to determine the role of this variant in disease. Therefore, it has been classified as a Variant of Uncertain Significance.